The following is an entry in ClinVar:

ClinVar aggregate classification (germline): Uncertain significance (1 of 4 stars; one submission).

Conditions:
Epidermolysis bullosa simplex with nail dystrophy (EBS5D). Identifiers: MedGen C4225309, MONDO:0014661, OMIM 616487.
Epidermolysis bullosa simplex, Ogna type (EBS5A). Also called: EPIDERMOLYSIS BULLOSA SIMPLEX 5A, OGNA TYPE; Pidermolysis bullosa simplex 5A, Ogna type. Identifiers: Orphanet 79401, MedGen C0432317, MONDO:0007555, OMIM 131950.
Epidermolysis bullosa simplex 5C, with pyloric atresia (EBS5C). Also called: PLEC1-Related Epidermolysis Bullosa with Pyloric Atresia; PLEC-Related Epidermolysis Bullosa with Pyloric Atresia; Epidermolysis bullosa simplex with pyloric atresia. Identifiers: Orphanet 158684, MedGen C2677349, MONDO:0012807, OMIM 612138.
Autosomal recessive limb-girdle muscular dystrophy type 2Q (LGMDR17). Also called: MUSCULAR DYSTROPHY, LIMB-GIRDLE, AUTOSOMAL RECESSIVE 17. Identifiers: Orphanet 254361, MedGen C3150989, MONDO:0013390, OMIM 613723.
Epidermolysis bullosa simplex 5B, with muscular dystrophy (EBS5B). Also called: EPIDERMOLYSIS BULLOSA SIMPLEX AND LIMB-GIRDLE MUSCULAR DYSTROPHY; Epidermolysis bullosa simplex with muscular dystrophy. Identifiers: Orphanet 257, MedGen C2931072, MONDO:0009181, OMIM 226670.

Allele frequency attached by ClinVar (database versions not stated): TOPMed 0.00001.
gnomAD v4.1: 11 of 1,602,860 alleles (0.00069%); highest among the groups gnomAD compares: South Asian, 0.0044%; no homozygotes.

Submission:

Labcorp Genetics (formerly Invitae), Labcorp
Classification: Uncertain significance for Autosomal recessive limb-girdle muscular dystrophy type 2Q; Epidermolysis bullosa simplex, Ogna type; Epidermolysis bullosa simplex with nail dystrophy; Epidermolysis bullosa simplex 5C, with pyloric atresia; Epidermolysis bullosa simplex 5B, with muscular dystrophy. Last evaluated: 2024-04-14. Review status: criteria provided, single submitter. Criteria: Invitae Variant Classification Sherloc (09022015). Collection method: clinical testing. Allele origin: germline.
Comment: This sequence change replaces aspartic acid, which is acidic and polar, with glycine, which is neutral and non-polar, at codon 2287 of the PLEC protein (p.Asp2287Gly). This variant is present in population databases (rs181231176, gnomAD 0.008%). This variant has not been reported in the literature in individuals affected with PLEC-related conditions. Advanced modeling of protein sequence and biophysical properties (such as structural, functional, and spatial information, amino acid conservation, physicochemical variation, residue mobility, and thermodynamic stability) has been performed at Invitae for this missense variant, however the output from this modeling did not meet the statistical confidence thresholds required to predict the impact of this variant on PLEC protein function. In summary, the available evidence is currently insufficient to determine the role of this variant in disease. Therefore, it has been classified as a Variant of Uncertain Significance.

NM_201384.3(PLEC):c.6779A>G (p.Asp2260Gly)

Gene: PLEC (plectin; minus strand). Cytogenetic location: 8q24.3.
Variant type: single nucleotide variant.
Coding change: c.6779A>G on transcript NM_201384.3 (MANE Select); coding-DNA position 6779, A replaced by G.
Protein change: p.Asp2260Gly; replaces aspartic acid 2260 with glycine.
Molecular consequence: missense variant. On other transcripts: intron variant (1).
Genome position (GRCh38, 1-based): chr8:143,923,150, T>C on the plus strand (A>G on the coding strand, the complement: PLEC is on the minus strand). VCF-style: chr8-143923150-T-C. GRCh37 (hg19) VCF-style: chr8-144997318-T-C.
Other names: c.6860A>G, p.Asp2287Gly (NM_000445.5); c.6737A>G, p.Asp2246Gly (NM_201378.4); c.6713A>G, p.Asp2238Gly (NM_201379.3); c.7190A>G, p.Asp2397Gly (NM_201380.4); c.6683A>G, p.Asp2228Gly (NM_201381.3); c.6779A>G, p.Asp2260Gly (NM_201382.4); c.6791A>G, p.Asp2264Gly (NM_201383.3); c.4126-755A>G (NM_001410941.1); short protein forms D2238G, D2260G, D2246G, D2264G, D2397G, D2228G, D2287G.
Identifiers: ClinVar variation 2923186 (VCV002923186.3), dbSNP rs181231176, ClinGen allele CA4925864.